The following is an entry in ClinVar:

ClinVar aggregate classification (germline): Uncertain significance (1 of 4 stars; one submission).

Submission:

CeGaT Center for Human Genetics Tuebingen
Classification: Uncertain significance. Last evaluated: 2023-11-01. Review status: criteria provided, single submitter. Criteria: CeGaT Center For Human Genetics Tuebingen Variant Classification Criteria Version 2. Collection method: clinical testing. Allele origin: germline. Affected: yes. Observed: 1 variant allele.
Comment: DVL3: PM2, PM4

NM_004423.4(DVL3):c.2072_2073insGGGGGCACTGAGGCCAGGTCGCGG (p.Pro691_Pro692insGlyAlaLeuArgProGlyArgGly)

Gene: DVL3 (dishevelled segment polarity protein 3; plus strand). Cytogenetic location: 3q27.1.
Variant type: Insertion.
Coding change: c.2072_2073insGGGGGCACTGAGGCCAGGTCGCGG on transcript NM_004423.4 (MANE Select); coding-DNA positions 2072 to 2073, GGGGGCACTGAGGCCAGGTCGCGG inserted.
Protein change: p.Pro691_Pro692insGlyAlaLeuArgProGlyArgGly.
Molecular consequence: inframe insertion.
Genome position: GRCh38 VCF-style: chr3-184170676-C-CGGGGGCACTGAGGCCAGGTCGCGG. GRCh37 (hg19) VCF-style: chr3-183888464-C-CGGGGGCACTGAGGCCAGGTCGCGG.
Identifiers: ClinVar variation 2672969 (VCV002672969.23), dbSNP rs2473706368, ClinGen allele CA2695199337.
Genomic context (GRCh38, chr3:184,170,676, plus strand): 5'-CGCCGCCCGCGGCCATGGGGCCCCCAGGAGCCCCTCCGGGCCGCGACCTGGCCTCAGTGC[C>CGGGGGCACTGAGGCCAGGTCGCGG]CCCGGAACTGACCGCCAGCAGACAGTCCTTCCGCATGGCCATGGGAAACCCCAGTGAGTT-3'